The following is an entry in ClinVar:

ClinVar aggregate classification (germline): Pathogenic (1 of 4 stars; one submission).

Submission:

GeneDx
Classification: Pathogenic. Last evaluated: 2020-11-17. Review status: criteria provided, single submitter. Criteria: GeneDx Variant Classification Process June 2021. Collection method: clinical testing. Allele origin: germline. Affected: yes.
Comment: Frameshift variant predicted to result in protein truncation or nonsense mediated decay in a gene for which loss-of-function is a known mechanism of disease; Not observed in large population cohorts (Lek et al., 2016); Has not been previously published as pathogenic or benign to our knowledge

NM_001083961.2(WDR62):c.4226dup (p.Ser1410fs)

Gene: WDR62 (WD repeat domain 62; plus strand). Cytogenetic location: 19q13.12.
Variant type: Duplication.
Coding change: c.4226dup on transcript NM_001083961.2 (MANE Select); coding-DNA position 4226, one base duplicated (C; older notation c.4226dupC).
Protein change: p.Ser1410fs; shifts the reading frame from serine 1410.
Molecular consequence: frameshift variant.
Genome position (GRCh38, 1-based): chr19:36,104,590, C duplicated; the last of 5 consecutive C bases (chr19:36,104,586-36,104,590); duplicating any one gives the same sequence. VCF-style (leftmost placement, unchanged base first): chr19-36104585-G-GC. GRCh37 (hg19) VCF-style: chr19-36595487-G-GC.
Other names: c.4211dup, p.Ser1405fs (NM_173636.5); c.4226dupC (NM_001083961.1); short protein forms S1405fs, S1410fs.
Identifiers: ClinVar variation 504193 (VCV000504193.3), dbSNP rs1555725014, ClinGen allele CA658799190.